The following is an entry in ClinVar:

ClinVar aggregate classification (germline): Uncertain significance. Review status: criteria provided, multiple submitters, no conflicts (2 of 4 stars). 3 submissions from 3 submitters: Uncertain significance (3). Last evaluated 2025-08-09.

Conditions:
Inborn genetic diseases. Identifiers: MedGen C0950123, MeSH D030342.
Cranioectodermal dysplasia 1 (CED1). Also called: LEVIN SYNDROME I. Identifiers: Orphanet 1515, MedGen C0432235, MONDO:0021093, OMIM 218330.

Allele frequency attached by ClinVar (database versions not stated): gnomAD exomes below 0.00001; ExAC 0.00002; 1000 Genomes Project 0.00040; 1000 Genomes Project 30x 0.00047.
gnomAD v4.1: 63 of 1,613,946 alleles (0.0039%); highest among the groups gnomAD compares: Middle Eastern, 0.017%; no homozygotes.

Submissions (3):

Ambry Genetics
Classification: Uncertain significance for Inborn genetic diseases. Last evaluated: 2025-08-09. Review status: criteria provided, single submitter. Criteria: Ambry Variant Classification Scheme 2023. Collection method: clinical testing. Allele origin: germline.

Labcorp Genetics (formerly Invitae), Labcorp
Classification: Uncertain significance for Cranioectodermal dysplasia 1. Last evaluated: 2025-01-06. Review status: criteria provided, single submitter. Criteria: Invitae Variant Classification Sherloc (09022015). Collection method: clinical testing. Allele origin: germline.
Comment: This sequence change replaces arginine, which is basic and polar, with histidine, which is basic and polar, at codon 928 of the IFT122 protein (p.Arg928His). This variant is present in population databases (rs561698295, gnomAD 0.006%). This variant has not been reported in the literature in individuals affected with IFT122-related conditions. ClinVar contains an entry for this variant (Variation ID: 1369282). Invitae Evidence Modeling of protein sequence and biophysical properties (such as structural, functional, and spatial information, amino acid conservation, physicochemical variation, residue mobility, and thermodynamic stability) indicates that this missense variant is not expected to disrupt IFT122 protein function with a negative predictive value of 80%. In summary, the available evidence is currently insufficient to determine the role of this variant in disease. Therefore, it has been classified as a Variant of Uncertain Significance.

Fulgent Genetics
Classification: Uncertain significance for Cranioectodermal dysplasia 1. Last evaluated: 2021-09-22. Review status: criteria provided, single submitter. Criteria: ACMG Guidelines, 2015. Collection method: clinical testing. Allele origin: unknown.

NM_052989.3(IFT122):c.2630G>A (p.Arg877His)

Gene: IFT122 (intraflagellar transport 122; plus strand). Cytogenetic location: 3q22.1.
Variant type: single nucleotide variant.
Coding change: c.2630G>A on transcript NM_052989.3 (MANE Select); coding-DNA position 2630, G replaced by A.
Protein change: p.Arg877His; replaces arginine 877 with histidine.
Molecular consequence: missense variant.
Genome position (GRCh38, 1-based): chr3:129,504,401, G>A. VCF-style: chr3-129504401-G-A. GRCh37 (hg19) VCF-style: chr3-129223244-G-A.
Other names: c.2783G>A (NM_052985.2); c.2606G>A, p.Arg869His (NM_001280541.2); c.2180G>A, p.Arg727His (NM_001280545.2); c.2003G>A, p.Arg668His (NM_001280546.2); c.2453G>A, p.Arg818His (NM_018262.4); c.2783G>A, p.Arg928His (NM_052985.4); c.2297G>A, p.Arg766His (NM_052990.3); short protein forms R766H, R818H, R928H, R869H, R668H, R727H, R877H.
Identifiers: ClinVar variation 1369282 (VCV001369282.6), dbSNP rs561698295, ClinGen allele CA2606591.
Genomic context (GRCh38, chr3:129,504,401, plus strand): 5'-ATCCTGAGTTTAAGGATGACATCTACATGCCGTATGCTCAGTGGCTAGCAGAGAACGATC[G>A]CTTTGAGGAAGCCCAGAAAGGTAGGCAACACAGACTGTCACCTTCTAGAAGGAGCAGGAG-3'
Protein context (NP_443715.1, residues 867-887): PYAQWLAEND[Arg877His]FEEAQKAFHK